The following is an entry in ClinVar:

NM_003587.5(DHX16):c.1131G>A (p.Pro377=)

Gene: DHX16 (DEAH-box helicase 16; minus strand). Cytogenetic location: 6p21.33.
Variant type: single nucleotide variant.
Coding change: c.1131G>A on transcript NM_003587.5 (MANE Select); coding-DNA position 1131, G replaced by A.
Protein change: p.Pro377=; no amino-acid change (proline 377 retained).
Molecular consequence: synonymous variant. On other transcripts: 5 prime UTR variant (1).
Genome position (GRCh38, 1-based): chr6:30,664,987, C>T on the plus strand (G>A on the coding strand, the complement: DHX16 is on the minus strand). VCF-style: chr6-30664987-C-T. GRCh37 (hg19) VCF-style: chr6-30632764-C-T.
Other names: c.951G>A, p.Pro317= (NM_001164239.2); c.-989G>A (NM_001363515.2).
Identifiers: ClinVar variation 3048241 (VCV003048241.2), dbSNP rs35041809, ClinGen allele CA3701295.

ClinVar aggregate classification (germline): Likely benign (0 of 4 stars; one submission).

Conditions:
DHX16-related disorder. Also called: DHX16-related condition.

Allele frequency attached by ClinVar (database versions not stated): gnomAD exomes 0.00010; ExAC 0.00038; 1000 Genomes Project 0.00060; 1000 Genomes Project 30x 0.00062; gnomAD 0.00139; TOPMed 0.00141; ESP Exome Variant Server 0.00201.
gnomAD v4.1: 349 of 1,613,864 alleles (0.022%); highest among the groups gnomAD compares: African/African-American, 0.43%; 2 homozygotes.

Submission:

PreventionGenetics, part of Exact Sciences
Classification: Likely benign for DHX16-related condition. Last evaluated: 2019-12-05. Review status: no assertion criteria provided. Collection method: clinical testing. Allele origin: germline.
Comment: This variant is classified as likely benign based on ACMG/AMP sequence variant interpretation guidelines (Richards et al. 2015 PMID: 25741868, with internal and published modifications).